The following is an entry in ClinVar:

NM_001081.4(CUBN):c.*420C>T

Gene: CUBN (cubilin; minus strand). Cytogenetic location: 10p13.
Variant type: single nucleotide variant.
Coding change: c.*420C>T on transcript NM_001081.4 (MANE Select); 420 bases downstream of the stop codon, C replaced by T.
Molecular consequence: 3 prime UTR variant.
Genome position (GRCh38, 1-based): chr10:16,824,555, G>A on the plus strand (C>T on the coding strand, the complement: CUBN is on the minus strand). VCF-style: chr10-16824555-G-A. GRCh37 (hg19) VCF-style: chr10-16866554-G-A.
Identifiers: ClinVar variation 299336 (VCV000299336.5), dbSNP rs182278265, ClinGen allele CA10635345.
Genomic context (GRCh38, chr10:16,824,555, plus strand): 5'-ATGTACAAATATTGATTCTGGTTTTTTTTGTTTCTTTTTTTTTTGAGATGGAGTCTTGCC[G>A]TCTCGCCCAGGCTGGAGTGTAGTGGTGTGATCTTAGCTCACTGCAACCTCTGCCTCCTGG-3'

ClinVar aggregate classification (germline): Likely benign (1 of 4 stars; one submission).

Conditions:
Imerslund-Grasbeck syndrome type 1 (IGS1). Also called: Megaloblastic anemia 1, Finnish type; MEGALOBLASTIC ANEMIA, 1; Imerslund-Gräsbeck syndrome 1. Identifiers: MedGen C4016819, MONDO:0100156, OMIM 261100.

Allele frequency attached by ClinVar (database versions not stated): gnomAD exomes 0.00026; 1000 Genomes Project 0.00379; TOPMed 0.00311; 1000 Genomes Project 30x 0.00359.

Submission:

Illumina Laboratory Services, Illumina
Classification: Likely benign for Imerslund-Grasbeck syndrome type 1. Last evaluated: 2018-01-13. Review status: criteria provided, single submitter. Criteria: ICSL Variant Classification Criteria 13 December 2019. Collection method: clinical testing. Allele origin: germline.
Comment: This variant was observed in the ICSL laboratory as part of a predisposition screen in an ostensibly healthy population. It had not been previously curated by ICSL or reported in the Human Gene Mutation Database (HGMD: prior to June 1st, 2018), and was therefore a candidate for classification through an automated scoring system. Utilizing variant allele frequency, disease prevalence and penetrance estimates, and inheritance mode, an automated score was calculated to assess if this variant is too frequent to cause the disease. Based on the score and internal cut-off values, a variant classified as likely benign is not then subjected to further curation. The score for this variant resulted in a classification of likely benign for this disease.